The following is an entry in ClinVar:

ClinVar aggregate classification (germline): Uncertain significance (1 of 4 stars; one submission).

Conditions:
Polyglucosan body myopathy type 1 (PGBM1). Also called: POLYGLUCOSAN BODY MYOPATHY WITHOUT IMMUNODEFICIENCY; Polyglucosan body myopathy 1 with or without immunodeficiency. Identifiers: Orphanet 329173, Orphanet 397937, MedGen C4014605, MONDO:0014389, OMIM 615895.

Allele frequency attached by ClinVar (database versions not stated): gnomAD exomes below 0.00001.

Submission:

Labcorp Genetics (formerly Invitae), Labcorp
Classification: Uncertain significance for Polyglucosan body myopathy type 1. Last evaluated: 2022-07-13. Review status: criteria provided, single submitter. Criteria: Invitae Variant Classification Sherloc (09022015). Collection method: clinical testing. Allele origin: germline.
Comment: This sequence change falls in intron 3 of the RBCK1 gene. It does not directly change the encoded amino acid sequence of the RBCK1 protein. This variant is present in population databases (no rsID available, gnomAD 0.003%). This variant has not been reported in the literature in individuals affected with RBCK1-related conditions. Algorithms developed to predict the effect of sequence changes on RNA splicing suggest that this variant may create or strengthen a splice site. In summary, the available evidence is currently insufficient to determine the role of this variant in disease. Therefore, it has been classified as a Variant of Uncertain Significance.

NM_031229.4(RBCK1):c.262-4C>G

Gene: RBCK1 (RANBP2-type and C3HC4-type zinc finger containing 1; plus strand). Cytogenetic location: 20p13.
Variant type: single nucleotide variant.
Coding change: c.262-4C>G on transcript NM_031229.4 (MANE Select); 4 bases into the intron before coding-DNA position 262, C replaced by G.
Molecular consequence: intron variant.
Genome position (GRCh38, 1-based): chr20:417,728, C>G. VCF-style: chr20-417728-C-G. GRCh37 (hg19) VCF-style: chr20-398372-C-G.
Other names: c.-88-4C>G (NM_001323956.2, NM_001323958.2); c.136-4C>G (NM_006462.6).
Identifiers: ClinVar variation 2096317 (VCV002096317.4), dbSNP rs1259956518, ClinGen allele CA634325889.
Genomic context (GRCh38, chr20:417,728, plus strand): 5'-ACTCCTGCTTCCTCTCTCTCCTCTGGCCCTCCCTTCCCACTCTCCCTCTCTTTGCCCCCA[C>G]CAGGTTTTTCTGGACTATGGCTTCCCACCAGTCTTGCAGCAGTGGGTGATTGGGCAGCGG-3'